The following is an entry in ClinVar:

NM_001112741.2(KCNC1):c.710G>T (p.Arg237Leu)

Gene: KCNC1 (potassium voltage-gated channel subfamily C member 1; plus strand). Cytogenetic location: 11p15.1.
Variant type: single nucleotide variant.
Coding change: c.710G>T on transcript NM_001112741.2 (MANE Select); coding-DNA position 710, G replaced by T.
Protein change: p.Arg237Leu; replaces arginine 237 with leucine.
Molecular consequence: missense variant.
Genome position (GRCh38, 1-based): chr11:17,771,804, G>T. VCF-style: chr11-17771804-G-T. GRCh37 (hg19) VCF-style: chr11-17793351-G-T.
Other names: c.710G>T, p.Arg237Leu (NM_004976.4); short protein forms R237L.
Identifiers: ClinVar variation 2844785 (VCV002844785.3), dbSNP rs200015927, ClinGen allele CA218468500.

ClinVar aggregate classification (germline): Uncertain significance (1 of 4 stars; one submission).

Conditions:
Progressive myoclonic epilepsy type 7. Identifiers: Orphanet 435438, MedGen C4015420, MONDO:0014521, OMIM 616187.

Submission:

Labcorp Genetics (formerly Invitae), Labcorp
Classification: Uncertain significance for Progressive myoclonic epilepsy type 7. Last evaluated: 2023-03-10. Review status: criteria provided, single submitter. Criteria: Invitae Variant Classification Sherloc (09022015). Collection method: clinical testing. Allele origin: germline.
Comment: In summary, the available evidence is currently insufficient to determine the role of this variant in disease. Therefore, it has been classified as a Variant of Uncertain Significance. Advanced modeling of protein sequence and biophysical properties (such as structural, functional, and spatial information, amino acid conservation, physicochemical variation, residue mobility, and thermodynamic stability) performed at Invitae indicates that this missense variant is not expected to disrupt KCNC1 protein function. This variant has not been reported in the literature in individuals affected with KCNC1-related conditions. This variant is not present in population databases (gnomAD no frequency). This sequence change replaces arginine, which is basic and polar, with leucine, which is neutral and non-polar, at codon 237 of the KCNC1 protein (p.Arg237Leu).